The following is an entry in ClinVar:

NM_176787.5(PIGN):c.1444dup (p.His482fs)

Gene: PIGN (phosphatidylinositol glycan anchor biosynthesis class N; minus strand). Cytogenetic location: 18q21.33.
Variant type: Duplication.
Coding change: c.1444dup on transcript NM_176787.5 (MANE Select); coding-DNA position 1444, one base duplicated (C; older notation c.1444dupC).
Protein change: p.His482fs; shifts the reading frame from histidine 482.
Molecular consequence: frameshift variant. On other transcripts: intron variant (1).
Genome position (GRCh38, 1-based): chr18:62,109,964, G duplicated on the plus strand (C on the coding strand, the reverse complement: PIGN is on the minus strand); the first of 2 consecutive G bases (chr18:62,109,964-62,109,965); duplicating either gives the same sequence. VCF-style (leftmost placement, unchanged base first): chr18-62109963-T-TG. GRCh37 (hg19) VCF-style: chr18-59777196-T-TG.
Other names: c.1444dup, p.His482fs (NM_001438896.1, NM_001438904.1, NM_001438905.1 and 1 more transcripts); c.1173-2879dup (NM_001438910.1); short protein forms H482fs.
Identifiers: ClinVar variation 4880642 (VCV004880642.2).

ClinVar aggregate classification (germline): Likely pathogenic (1 of 4 stars; one submission).

Submission:

Dasa
Classification: Likely pathogenic. Last evaluated: 2025-07-11. Review status: criteria provided, single submitter. Criteria: DASA Assertion Criteria. Collection method: clinical testing. Allele origin: germline.
Comment: NM_176787.5(PIGN):c.1444dup (p.His482Profs*6) is a frameshift variant in PIGN predicted to alter the reading frame and introduce a premature termination codon and is predicted to result in an absent or altered protein product. Loss of function is an established disease mechanism for PIGN-associated disorders. Also, this variant is absent from population databases. Based on the currently available evidence, this variant is classified as likely pathogenic.